The following is an entry in ClinVar:

NM_144991.3(TSPEAR):c.1856+2T>C

Gene: TSPEAR (thrombospondin type laminin G domain and EAR repeats; minus strand). Cytogenetic location: 21q22.3.
Variant type: single nucleotide variant.
Coding change: c.1856+2T>C on transcript NM_144991.3 (MANE Select); the canonical splice donor site of the intron after coding-DNA position 1856, T replaced by C.
Molecular consequence: splice donor variant.
Genome position (GRCh38, 1-based): chr21:44,504,778, A>G on the plus strand (T>C on the coding strand, the complement: TSPEAR is on the minus strand). VCF-style: chr21-44504778-A-G. GRCh37 (hg19) VCF-style: chr21-45924661-A-G.
Other names: c.1652+2T>C (NM_001272037.2).
Identifiers: ClinVar variation 1200734 (VCV001200734.7), dbSNP rs1440666801, ClinGen allele CA410429770.

ClinVar aggregate classification (germline): Pathogenic/Likely pathogenic. Review status: criteria provided, multiple submitters, no conflicts (2 of 4 stars). 2 submissions from 2 submitters: Pathogenic (1); Likely pathogenic (1). Last evaluated 2026-09-09.

Allele frequency attached by ClinVar (database versions not stated): gnomAD 0.00001; gnomAD exomes 0.00001 and 0.00002; TOPMed 0.00002.
gnomAD v4.1: 30 of 1,611,614 alleles (0.0019%); highest among the groups gnomAD compares: Non-Finnish European, 0.0025%; no homozygotes.

Submissions (2):

GeneDx
Classification: Likely pathogenic. Last evaluated: 2026-09-09. Review status: criteria provided, single submitter. Criteria: GeneDx Variant Classification Process June 2021. Collection method: clinical testing. Allele origin: germline.
Comment: Not observed at significant frequency in large population cohorts (gnomAD); Canonical splice site variant predicted to result in an in-frame loss of the adjacent exon in a gene for which loss of function is a known mechanism of disease; This variant is associated with the following publications: (PMID: 37009414)

Labcorp Genetics (formerly Invitae), Labcorp
Classification: Pathogenic. Last evaluated: 2026-01-14. Review status: criteria provided, single submitter. Criteria: Invitae Variant Classification Sherloc (09022015). Collection method: clinical testing. Allele origin: germline.
Comment: This sequence change affects a donor splice site in intron 11 of the TSPEAR gene. While this variant is not anticipated to result in nonsense mediated decay, it likely alters RNA splicing and results in a disrupted protein product. This variant is present in population databases (no rsID available, gnomAD 0.002%). Disruption of this splice site has been observed in individual(s) with ectodermal dysplasia (PMID: 37009414). In at least one individual the data is consistent with being in trans (on the opposite chromosome) from a pathogenic variant. ClinVar contains an entry for this variant (Variation ID: 1200734). Variants that disrupt the consensus splice site are a relatively common cause of aberrant splicing (PMID: 17576681, 9536098). Algorithms developed to predict the effect of sequence changes on RNA splicing suggest that this variant may disrupt the consensus splice site. This variant disrupts a region of the TSPEAR protein in which other variant(s) (p.Phe626Ser) have been determined to be pathogenic (PMID: 30046887; internal data). This suggests that this is a clinically significant region of the protein, and that variants that disrupt it are likely to be disease-causing. For these reasons, this variant has been classified as Pathogenic.

Literature cited by the submitters: PubMed 37009414 (cited by Labcorp Genetics (formerly Invitae), Labcorp); PubMed 17576681 (cited by Labcorp Genetics (formerly Invitae), Labcorp); PubMed 9536098 (cited by Labcorp Genetics (formerly Invitae), Labcorp); PubMed 30046887 (cited by Labcorp Genetics (formerly Invitae), Labcorp).